The following is an entry in ClinVar:

NM_001378454.1(ALMS1):c.5459T>A (p.Leu1820Ter)

Gene: ALMS1 (ALMS1 centrosome and basal body associated protein; plus strand). Cytogenetic location: 2p13.1.
Variant type: single nucleotide variant.
Coding change: c.5459T>A on transcript NM_001378454.1 (MANE Select); coding-DNA position 5459, T replaced by A.
Protein change: p.Leu1820Ter; replaces leucine 1820 with a stop codon.
Molecular consequence: nonsense.
Genome position (GRCh38, 1-based): chr2:73,451,986, T>A. VCF-style: chr2-73451986-T-A. GRCh37 (hg19) VCF-style: chr2-73679113-T-A.
Other names: c.5462T>A, p.Leu1821Ter (NM_015120.4); short protein forms L1821*, L1820*.
Identifiers: ClinVar variation 4770120 (VCV004770120.1).

ClinVar aggregate classification (germline): Pathogenic (1 of 4 stars; one submission).

Conditions:
Alstrom syndrome (ALMS). Identifiers: Orphanet 64, MedGen C0268425, MONDO:0008763, OMIM 203800.

Submission:

Labcorp Genetics (formerly Invitae), Labcorp
Classification: Pathogenic for Alstrom syndrome. Last evaluated: 2026-01-01. Review status: criteria provided, single submitter. Criteria: Invitae Variant Classification Sherloc (09022015). Collection method: clinical testing. Allele origin: germline.
Comment: This sequence change creates a premature translational stop signal (p.Leu1821*) in the ALMS1 gene. It is expected to result in an absent or disrupted protein product. Loss-of-function variants in ALMS1 are known to be pathogenic (PMID: 17594715). This variant is not present in population databases (gnomAD no frequency). This variant has not been reported in the literature in individuals affected with ALMS1-related conditions. For these reasons, this variant has been classified as Pathogenic.

Literature cited by the submitters: PubMed 17594715.